The following is an entry in ClinVar:

ClinVar aggregate classification (germline): Uncertain significance (1 of 4 stars; one submission).

Conditions:
Inborn genetic diseases. Identifiers: MedGen C0950123, MeSH D030342.

gnomAD v4.1: 1 of 1,612,490 alleles (0.000062%); highest among the groups gnomAD compares: South Asian, 0.0011%; no homozygotes.

Submission:

Ambry Genetics
Classification: Uncertain significance for Inborn genetic diseases. Last evaluated: 2025-06-13. Review status: criteria provided, single submitter. Criteria: Ambry Variant Classification Scheme 2023. Collection method: clinical testing. Allele origin: germline.
Comment: The p.S875N variant (also known as c.2624G>A), located in coding exon 21 of the KDM1A gene, results from a G to A substitution at nucleotide position 2624. The serine at codon 875 is replaced by asparagine, an amino acid with highly similar properties. This amino acid position is conserved. In addition, this alteration is predicted to be tolerated by in silico analysis. Based on the available evidence, the clinical significance of this variant remains unclear.

NM_001009999.3(KDM1A):c.2624G>A (p.Ser875Asn)

Gene: KDM1A (lysine demethylase 1A; plus strand). Cytogenetic location: 1p36.12.
Variant type: single nucleotide variant.
Coding change: c.2624G>A on transcript NM_001009999.3 (MANE Select); coding-DNA position 2624, G replaced by A.
Protein change: p.Ser875Asn; replaces serine 875 with asparagine.
Molecular consequence: missense variant. On other transcripts: 3 prime UTR variant (1).
Genome position (GRCh38, 1-based): chr1:23,083,357, G>A. VCF-style: chr1-23083357-G-A. GRCh37 (hg19) VCF-style: chr1-23409850-G-A.
Other names: c.2570G>A, p.Ser857Asn (NM_001363654.2); c.2630G>A, p.Ser877Asn (NM_001410762.1); c.*872G>A (NM_001410763.1); c.2552G>A, p.Ser851Asn (NM_015013.4); short protein forms S875N, S877N, S857N, S851N.
Identifiers: ClinVar variation 4042187 (VCV004042187.1).